The following is an entry in ClinVar:

NM_001457.4(FLNB):c.1278C>G (p.His426Gln)

Gene: FLNB (filamin B; plus strand). Cytogenetic location: 3p14.3.
Variant type: single nucleotide variant.
Coding change: c.1278C>G on transcript NM_001457.4 (MANE Select); coding-DNA position 1278, C replaced by G.
Protein change: p.His426Gln; replaces histidine 426 with glutamine.
Molecular consequence: missense variant.
Genome position (GRCh38, 1-based): chr3:58,098,841, C>G. VCF-style: chr3-58098841-C-G. GRCh37 (hg19) VCF-style: chr3-58084568-C-G.
Other names: c.1278C>G, p.His426Gln (NM_001164317.2, NM_001164318.2, NM_001164319.2); short protein forms H426Q.
Identifiers: ClinVar variation 2920404 (VCV002920404.3), dbSNP rs572259451, ClinGen allele CA2467753.

ClinVar aggregate classification (germline): Uncertain significance (1 of 4 stars; one submission).

gnomAD v4.1: 4 of 1,614,040 alleles (0.00025%); highest among the groups gnomAD compares: South Asian, 0.0011%; no homozygotes.

Submission:

Labcorp Genetics (formerly Invitae), Labcorp
Classification: Uncertain significance. Last evaluated: 2023-11-10. Review status: criteria provided, single submitter. Criteria: Invitae Variant Classification Sherloc (09022015). Collection method: clinical testing. Allele origin: germline.
Comment: This sequence change replaces histidine, which is basic and polar, with glutamine, which is neutral and polar, at codon 426 of the FLNB protein (p.His426Gln). This variant is present in population databases (rs572259451, gnomAD 0.003%). This variant has not been reported in the literature in individuals affected with FLNB-related conditions. Advanced modeling of protein sequence and biophysical properties (such as structural, functional, and spatial information, amino acid conservation, physicochemical variation, residue mobility, and thermodynamic stability) performed at Invitae indicates that this missense variant is not expected to disrupt FLNB protein function with a negative predictive value of 95%. In summary, the available evidence is currently insufficient to determine the role of this variant in disease. Therefore, it has been classified as a Variant of Uncertain Significance.